The following is an entry in ClinVar:

ClinVar aggregate classification (germline): Conflicting classifications of pathogenicity. Review status: criteria provided, conflicting classifications (1 of 4 stars). 2 submissions from 2 submitters: Uncertain significance (1); Likely benign (1). Last evaluated 2026-02-03.

Submissions (2):

Labcorp Genetics (formerly Invitae), Labcorp
Classification: Uncertain significance. Last evaluated: 2026-02-03. Review status: criteria provided, single submitter. Criteria: Invitae Variant Classification Sherloc (09022015). Collection method: clinical testing. Allele origin: germline.
Comment: This variant, c.4882_4884del, results in the deletion of 1 amino acid(s) of the CLTC protein (p.Glu1628del), but otherwise preserves the integrity of the reading frame. This variant is present in population databases (rs750708530, gnomAD 0.07%), and has an allele count higher than expected for a pathogenic variant. This variant has not been reported in the literature in individuals affected with CLTC-related conditions. Experimental studies and prediction algorithms are not available or were not evaluated, and the functional significance of this variant is currently unknown. In summary, the available evidence is currently insufficient to determine the role of this variant in disease. Therefore, it has been classified as a Variant of Uncertain Significance.

Blueprint Genetics
Classification: Likely benign. Last evaluated: 2024-09-20. Review status: criteria provided, single submitter. Criteria: ACMG Guidelines, 2015. Collection method: clinical testing. Allele origin: germline.

NM_004859.4(CLTC):c.4864GAA[2] (p.Glu1624del)

Gene: CLTC (clathrin heavy chain; plus strand). Cytogenetic location: 17q23.1.
Variant type: Microsatellite.
Coding change: c.4864GAA[2] on transcript NM_004859.4 (MANE Select); two copies in a row of the 3-base unit GAA starting at c.4864; the reference has three copies in a row; one copy, 3 bases deleted.
Protein change: p.Glu1624del; deletes glutamic acid 1624.
Molecular consequence: inframe deletion.
Genome position (GRCh38, 1-based): chr17:59,690,678-59,690,680, GAA deleted; deleting any 3 consecutive bases within chr17:59,690,670-59,690,680 gives the same sequence; the position shown is the placement nearest the transcript's 3' end. VCF-style (leftmost placement, unchanged base first): chr17-59690669-AAAG-A. GRCh37 (hg19) VCF-style: chr17-57768030-AAAG-A.
Other names: c.4876GAA[2], p.Glu1628del (NM_001288653.2); short protein forms E1624del, E1628del.
Identifiers: ClinVar variation 1384559 (VCV001384559.7), dbSNP rs750708530, ClinGen allele CA8681813.